The following is an entry in ClinVar:

NM_000059.4(BRCA2):c.2543del (p.Lys848fs)

Gene: BRCA2 (BRCA2 DNA repair associated; plus strand). Cytogenetic location: 13q13.1.
Variant type: Deletion.
Coding change: c.2543del on transcript NM_000059.4 (MANE Select); coding-DNA position 2543, one base deleted (A; older notation c.2543delA).
Protein change: p.Lys848fs; shifts the reading frame from lysine 848.
Molecular consequence: frameshift variant.
Genome position (GRCh38, 1-based): chr13:32,336,898, A deleted; the last of 3 consecutive A bases (chr13:32,336,896-32,336,898); deleting any one gives the same sequence. VCF-style (leftmost placement, unchanged base first): chr13-32336895-GA-G. GRCh37 (hg19) VCF-style: chr13-32911032-GA-G.
Other names: c.2543delA (NM_000059.3); short protein forms K848fs.
Identifiers: ClinVar variation 993092 (VCV000993092.12), dbSNP rs2072459783, ClinGen allele CA1139663115.

ClinVar aggregate classification (germline): Pathogenic/Likely pathogenic. Review status: criteria provided, multiple submitters, no conflicts (2 of 4 stars). 3 submissions from 3 submitters: Pathogenic (2); Likely pathogenic (1). Last evaluated 2023-07-13.

Conditions:
Hereditary cancer-predisposing syndrome. Also called: Neoplastic Syndromes, Hereditary; Hereditary Cancer Syndrome; Tumor predisposition; Hereditary neoplastic syndrome. Identifiers: Orphanet 140162, MedGen C0027672, MeSH D009386, MONDO:0015356.
Hereditary breast ovarian cancer syndrome. Also called: Hereditary breast and ovarian cancer; Hereditary breast and ovarian cancer syndrome; Breast and ovarian cancer; BRCA1- and BRCA2-Associated Hereditary Breast and Ovarian Cancer; Hereditary breast and/or ovarian cancer syndrome; Hereditary breast and ovarian cancer syndrome (HBOC). Identifiers: Orphanet 145, MedGen C0677776, MeSH D061325, MONDO:0003582. Disease mechanism: loss of function.

Submissions (3):

Ambry Genetics
Classification: Pathogenic for Hereditary cancer-predisposing syndrome. Last evaluated: 2023-07-13. Review status: criteria provided, single submitter. Criteria: Ambry Variant Classification Scheme 2023. Collection method: clinical testing. Allele origin: germline.
Comment: The c.2543delA pathogenic mutation, located in coding exon 10 of the BRCA2 gene, results from a deletion of one nucleotide at nucleotide position 2543, causing a translational frameshift with a predicted alternate stop codon (p.K848Rfs*10). This variant is considered to be rare based on population cohorts in the Genome Aggregation Database (gnomAD). This alteration is expected to result in loss of function by premature protein truncation or nonsense-mediated mRNA decay. As such, this alteration is interpreted as a disease-causing mutation.

Labcorp Genetics (formerly Invitae), Labcorp
Classification: Pathogenic for Hereditary breast ovarian cancer syndrome. Last evaluated: 2023-01-08. Review status: criteria provided, single submitter. Criteria: Invitae Variant Classification Sherloc (09022015). Collection method: clinical testing. Allele origin: germline.
Comment: This variant is not present in population databases (gnomAD no frequency). This sequence change creates a premature translational stop signal (p.Lys848Argfs*10) in the BRCA2 gene. It is expected to result in an absent or disrupted protein product. Loss-of-function variants in BRCA2 are known to be pathogenic (PMID: 20104584). This variant has not been reported in the literature in individuals affected with BRCA2-related conditions. For these reasons, this variant has been classified as Pathogenic. ClinVar contains an entry for this variant (Variation ID: 993092).

Quest Diagnostics Nichols Institute San Juan Capistrano
Classification: Likely pathogenic. Last evaluated: 2020-07-31. Review status: criteria provided, single submitter. Criteria: Quest Diagnostics criteria. Collection method: clinical testing. Allele origin: unknown.
Comment: The variant results in a shift of the reading frame, and is therefore predicted to result in the loss of a functional protein. Not found in the total gnomAD dataset, and the data is high quality.

Literature cited by the submitters: PubMed 20104584 (cited by Labcorp Genetics (formerly Invitae), Labcorp).